The following is an entry in ClinVar:

ClinVar aggregate classification (germline): Uncertain significance (1 of 4 stars; one submission).

Conditions:
Hennekam lymphangiectasia-lymphedema syndrome 2 (HKLLS2). Identifiers: Orphanet 2136, MedGen C4014939, MONDO:0014454, OMIM 616006.

gnomAD v4.1: 12 of 1,614,084 alleles (0.00074%); highest among the groups gnomAD compares: Non-Finnish European, 0.001%; no homozygotes.

Submission:

Clinical Genomics Laboratory, Washington University in St. Louis
Classification: Uncertain significance for Hennekam lymphangiectasia-lymphedema syndrome 2. Last evaluated: 2024-11-25. Review status: criteria provided, single submitter. Criteria: ACMG Guidelines, 2015. Collection method: clinical testing. Allele origin: germline.
Comment: A FAT4 c.1856G>A (p.Arg619His) variant was identified at a near heterozygous allelic fraction of 48.9%, a frequency that may be consistent with germline origin. This variant, to our knowledge, has not been reported in the medical literature. It is only observed on 12/1,614,084 alleles in the general population (gnomAD v.4.1.0), indicating it is not a common variant. Computational predictors suggest that the variant does not impact FAT4 function. Due to limited information, and based on ACMG/AMP guidelines for variant interpretation (Richards S et al., PMID: 25741868), the clinical significance of this variant is uncertain at this time.

NM_001291303.3(FAT4):c.1856G>A (p.Arg619His)

Gene: FAT4 (FAT atypical cadherin 4; plus strand). Cytogenetic location: 4q28.1.
Variant type: single nucleotide variant.
Coding change: c.1856G>A on transcript NM_001291303.3 (MANE Select); coding-DNA position 1856, G replaced by A.
Protein change: p.Arg619His; replaces arginine 619 with histidine.
Molecular consequence: missense variant.
Genome position (GRCh38, 1-based): chr4:125,318,267, G>A. VCF-style: chr4-125318267-G-A. GRCh37 (hg19) VCF-style: chr4-126239422-G-A.
Other names: c.1856G>A, p.Arg619His (NM_001291285.3, NM_024582.6); short protein forms R619H.
Identifiers: ClinVar variation 3600470 (VCV003600470.1).